The following is an entry in ClinVar:

ClinVar aggregate classification (germline): Benign. Review status: criteria provided, multiple submitters, no conflicts (2 of 4 stars). 3 submissions from 3 submitters: Benign (2). 1 of the submissions does not count toward it. Last evaluated 2026-02-03.

Conditions:
PCLO-related disorder. Also called: PCLO-related condition.

Allele frequency attached by ClinVar (database versions not stated): gnomAD 0.01729 and 0.01843; 1000 Genomes Project 30x 0.01936; gnomAD exomes 0.00176 and 0.00455; ExAC 0.00526; ESP Exome Variant Server 0.01748; 1000 Genomes Project 0.01817; TOPMed 0.01986.
gnomAD v4.1: 5,318 of 1,613,858 alleles (0.33%); highest among the groups gnomAD compares: African/African-American, 6%; 145 homozygotes.

Submissions (3):

Labcorp Genetics (formerly Invitae), Labcorp
Classification: Benign. Last evaluated: 2026-02-03. Review status: criteria provided, single submitter. Criteria: Invitae Variant Classification Sherloc (09022015). Collection method: clinical testing. Allele origin: germline.

Breakthrough Genomics
Classification: Benign. Review status: criteria provided, single submitter. Criteria: ACMG Guidelines, 2015. Collection method: not provided. Allele origin: germline. Inheritance: Autosomal recessive inheritance. Affected: yes.

PreventionGenetics, part of Exact Sciences
Classification: Benign for PCLO-related condition. Last evaluated: 2019-08-01. Review status: no assertion criteria provided. Collection method: clinical testing. Allele origin: germline. Not counted in ClinVar's aggregate classification.
Comment: This variant is classified as benign based on ACMG/AMP sequence variant interpretation guidelines (Richards et al. 2015 PMID: 25741868, with internal and published modifications).

NM_033026.6(PCLO):c.5559A>G (p.Arg1853=)

Gene: PCLO (piccolo presynaptic cytomatrix protein; minus strand). Cytogenetic location: 7q21.11.
Variant type: single nucleotide variant.
Coding change: c.5559A>G on transcript NM_033026.6 (MANE Select); coding-DNA position 5559, A replaced by G.
Protein change: p.Arg1853=; no amino-acid change (arginine 1853 retained).
Molecular consequence: synonymous variant.
Genome position (GRCh38, 1-based): chr7:82,955,394, T>C on the plus strand (A>G on the coding strand, the complement: PCLO is on the minus strand). VCF-style: chr7-82955394-T-C. GRCh37 (hg19) VCF-style: chr7-82584710-T-C.
Other names: c.5559A>G, p.Arg1853= (NM_014510.3).
Identifiers: ClinVar variation 768170 (VCV000768170.14), dbSNP rs61995912, ClinGen allele CA4320630.